The following is an entry in ClinVar:

ClinVar aggregate classification (germline): Uncertain significance (1 of 4 stars; one submission).

Submission:

Labcorp Genetics (formerly Invitae), Labcorp
Classification: Uncertain significance. Last evaluated: 2019-03-03. Review status: criteria provided, single submitter. Criteria: Invitae Variant Classification Sherloc (09022015). Collection method: clinical testing. Allele origin: germline.
Comment: This sequence change replaces alanine with glutamic acid at codon 194 of the FH protein (p.Ala194Glu). The alanine residue is highly conserved and there is a moderate physicochemical difference between alanine and glutamic acid. This variant is not present in population databases (ExAC no frequency). This variant has been observed in a family with clinical features of hereditary leiomyomatosis and renal cell cancer (Invitae). ClinVar contains an entry for this variant (Variation ID: 571860). Algorithms developed to predict the effect of missense changes on protein structure and function are either unavailable or do not agree on the potential impact of this missense change (SIFT: "Deleterious"; PolyPhen-2: "Probably Damaging"; Align-GVGD: "Class C15"). In summary, the available evidence is currently insufficient to determine the role of this variant in disease. Therefore, it has been classified as a Variant of Uncertain Significance.

NM_000143.4(FH):c.581C>A (p.Ala194Glu)

Gene: FH (fumarate hydratase; minus strand). Cytogenetic location: 1q43.
Variant type: single nucleotide variant.
Coding change: c.581C>A on transcript NM_000143.4 (MANE Select); coding-DNA position 581, C replaced by A.
Protein change: p.Ala194Glu; replaces alanine 194 with glutamic acid.
Molecular consequence: missense variant.
Genome position (GRCh38, 1-based): chr1:241,508,760, G>T on the plus strand (C>A on the coding strand, the complement: FH is on the minus strand). VCF-style: chr1-241508760-G-T. GRCh37 (hg19) VCF-style: chr1-241672060-G-T.
Other names: short protein forms A194E.
Identifiers: ClinVar variation 571860 (VCV000571860.11), dbSNP rs1558399442, ClinGen allele CA345439458.